The following is an entry in ClinVar:

ClinVar aggregate classification (germline): Uncertain significance (1 of 4 stars; one submission).

Conditions:
Inborn genetic diseases. Identifiers: MedGen C0950123, MeSH D030342.

Submission:

Ambry Genetics
Classification: Uncertain significance for Inborn genetic diseases. Last evaluated: 2025-07-10. Review status: criteria provided, single submitter. Criteria: Ambry Variant Classification Scheme 2023. Collection method: clinical testing. Allele origin: germline.
Comment: The p.S298T variant (also known as c.892T>A), located in coding exon 7 of the PAX5 gene, results from a T to A substitution at nucleotide position 892. The serine at codon 298 is replaced by threonine, an amino acid with similar properties. This amino acid position is conserved. In addition, the in silico prediction for this alteration is inconclusive. Based on the available evidence, the clinical significance of this variant remains unclear.

NM_016734.3(PAX5):c.892T>A (p.Ser298Thr)

Gene: PAX5 (paired box 5; minus strand). Cytogenetic location: 9p13.2.
Variant type: single nucleotide variant.
Coding change: c.892T>A on transcript NM_016734.3 (MANE Select); coding-DNA position 892, T replaced by A.
Protein change: p.Ser298Thr; replaces serine 298 with threonine.
Molecular consequence: missense variant. On other transcripts: intron variant (2).
Genome position (GRCh38, 1-based): chr9:36,923,373, A>T on the plus strand (T>A on the coding strand, the complement: PAX5 is on the minus strand). VCF-style: chr9-36923373-A-T. GRCh37 (hg19) VCF-style: chr9-36923370-A-T.
Other names: c.892T>A, p.Ser298Thr (NM_001280547.2, NM_001280548.2, NM_001280552.2); c.568T>A, p.Ser190Thr (NM_001280551.2, NM_001280556.2); c.763T>A, p.Ser255Thr (NM_001280553.2, NM_001280554.2); c.694T>A, p.Ser232Thr (NM_001280555.2); c.780+43176T>A (NM_001280550.2, NM_001280549.2); short protein forms S190T, S232T, S255T, S298T.
Identifiers: ClinVar variation 4131411 (VCV004131411.1).